The following is an entry in ClinVar:

ClinVar aggregate classification (germline): Likely benign (1 of 4 stars; one submission).

gnomAD v4.1: 28 of 1,613,872 alleles (0.0017%); highest among the groups gnomAD compares: South Asian, 0.023%; no homozygotes.

Submission:

CeGaT Center for Human Genetics Tuebingen
Classification: Likely benign. Last evaluated: 2025-03-01. Review status: criteria provided, single submitter. Criteria: CeGaT Center For Human Genetics Tuebingen Variant Classification Criteria Version 2. Collection method: clinical testing. Allele origin: germline. Affected: yes. Observed: 1 variant allele.
Comment: ZFHX4: BP4, BP7

NM_024721.5(ZFHX4):c.4470G>A (p.Glu1490=)

Gene: ZFHX4 (zinc finger homeobox 4; plus strand). Cytogenetic location: 8q21.13.
Variant type: single nucleotide variant.
Coding change: c.4470G>A on transcript NM_024721.5 (MANE Select); coding-DNA position 4470, G replaced by A.
Protein change: p.Glu1490=; no amino-acid change (glutamic acid 1490 retained).
Molecular consequence: synonymous variant.
Genome position (GRCh38, 1-based): chr8:76,851,391, G>A. VCF-style: chr8-76851391-G-A. GRCh37 (hg19) VCF-style: chr8-77763627-G-A.
Other names: c.4392G>A, p.Glu1464= (NM_001410934.1).
Identifiers: ClinVar variation 3778155 (VCV003778155.7).